The following is an entry in ClinVar:

ClinVar aggregate classification (germline): Likely benign (0 of 4 stars; one submission).

Conditions:
MUC16-related disorder. Also called: MUC16-related condition.

Allele frequency attached by ClinVar (database versions not stated): 1000 Genomes Project 30x 0.32901.

Submission:

PreventionGenetics, part of Exact Sciences
Classification: Likely benign for MUC16-related condition. Last evaluated: 2019-09-24. Review status: no assertion criteria provided. Collection method: clinical testing. Allele origin: germline.
Comment: This variant is classified as likely benign based on ACMG/AMP sequence variant interpretation guidelines (Richards et al. 2015 PMID: 25741868, with internal and published modifications).

NM_001401501.2(MUC16):c.39285C>T (p.Ser13095=)

Gene: MUC16 (mucin 16, cell surface associated; minus strand). Cytogenetic location: 19p13.2.
Variant type: single nucleotide variant.
Coding change: c.39285C>T on transcript NM_001401501.2 (MANE Select); coding-DNA position 39285, C replaced by T.
Protein change: p.Ser13095=; no amino-acid change (serine 13095 retained).
Molecular consequence: synonymous variant.
Genome position (GRCh38, 1-based): chr19:8,898,951, G>A on the plus strand (C>T on the coding strand, the complement: MUC16 is on the minus strand). VCF-style: chr19-8898951-G-A. GRCh37 (hg19) VCF-style: chr19-9009627-G-A.
Other names: c.39711C>T, p.Ser13237= (NM_001414686.1); c.39165C>T, p.Ser13055= (NM_001414687.1); c.39099C>T, p.Ser13033= (NM_024690.2).
Identifiers: ClinVar variation 3059777 (VCV003059777.2), dbSNP rs796508010, ClinGen allele CA305080962.